The following is an entry in ClinVar:

ClinVar aggregate classification (germline): Likely benign (0 of 4 stars; one submission).

Conditions:
PPP2R3A-related disorder. Also called: PPP2R3A-related condition.

Allele frequency attached by ClinVar (database versions not stated): gnomAD exomes 0.00009; gnomAD 0.00019; TOPMed 0.00023; ExAC 0.00024; 1000 Genomes Project 0.00080; 1000 Genomes Project 30x 0.00109.
gnomAD v4.1: 173 of 1,613,998 alleles (0.011%); highest among the groups gnomAD compares: East Asian, 0.27%; no homozygotes.

Submission:

PreventionGenetics, part of Exact Sciences
Classification: Likely benign for PPP2R3A-related condition. Last evaluated: 2019-09-18. Review status: no assertion criteria provided. Collection method: clinical testing. Allele origin: germline.
Comment: This variant is classified as likely benign based on ACMG/AMP sequence variant interpretation guidelines (Richards et al. 2015 PMID: 25741868, with internal and published modifications).

NM_002718.5(PPP2R3A):c.1869A>G (p.Gln623=)

Gene: PPP2R3A (protein phosphatase 2 regulatory subunit B''alpha; plus strand). Cytogenetic location: 3q22.3.
Variant type: single nucleotide variant.
Coding change: c.1869A>G on transcript NM_002718.5 (MANE Select); coding-DNA position 1869, A replaced by G.
Protein change: p.Gln623=; no amino-acid change (glutamine 623 retained).
Molecular consequence: synonymous variant. On other transcripts: intron variant (1).
Genome position (GRCh38, 1-based): chr3:136,003,367, A>G. VCF-style: chr3-136003367-A-G. GRCh37 (hg19) VCF-style: chr3-135722209-A-G.
Other names: c.-213-23465A>G (NM_001190447.2).
Identifiers: ClinVar variation 3040965 (VCV003040965.2), dbSNP rs200793795, ClinGen allele CA2630645.
Genomic context (GRCh38, chr3:136,003,367, plus strand): 5'-AGAACTAGTTGAATGCAAATCAAGCAGAGGGAGCCTATCACAAGAAAAGGAAATGATGCA[A>G]ATTCTACAGGAAACCTTGACAACTTCCTCCCAGGCCAATTTATCAGTCTGTAGAAGTCCT-3'
Protein context (NP_002709.2, residues 613-633): GSLSQEKEMM[Gln623=]ILQETLTTSS